The following is an entry in ClinVar:

NM_001273.5(CHD4):c.2026G>C (p.Glu676Gln)

Gene: CHD4 (chromodomain helicase DNA binding protein 4; minus strand). Cytogenetic location: 12p13.31.
Variant type: single nucleotide variant.
Coding change: c.2026G>C on transcript NM_001273.5 (MANE Select); coding-DNA position 2026, G replaced by C.
Protein change: p.Glu676Gln; replaces glutamic acid 676 with glutamine.
Molecular consequence: missense variant.
Genome position (GRCh38, 1-based): chr12:6,595,429, C>G on the plus strand (G>C on the coding strand, the complement: CHD4 is on the minus strand). VCF-style: chr12-6595429-C-G. GRCh37 (hg19) VCF-style: chr12-6704595-C-G.
Other names: c.2005G>C, p.Glu669Gln (NM_001297553.2); c.1987G>C, p.Glu663Gln (NM_001363606.2); short protein forms E663Q, E669Q, E676Q.
Identifiers: ClinVar variation 3906436 (VCV003906436.1).
Genomic context (GRCh38, chr12:6,595,429, plus strand): 5'-TCCGAAGCTTCACCTTCTTGAGCTTCTTGCCTGGTCGGCCTTCCTCACCCCTCATTAACT[C>G]CCTAAAGAAGAAAGACATCACACAGCTGCCCAAAATCCTTTTCTATAGAAGAAACAACTT-3'
Protein context (NP_001264.2, residues 666-686): LFKQSYWNHR[Glu676Gln]LMRGEEGRPG

ClinVar aggregate classification (germline): Uncertain significance (1 of 4 stars; one submission).

Submission:

GeneDx
Classification: Uncertain significance. Last evaluated: 2024-12-23. Review status: criteria provided, single submitter. Criteria: GeneDx Variant Classification Process June 2021. Collection method: clinical testing. Allele origin: germline. Affected: yes.
Comment: Not observed at significant frequency in large population cohorts (gnomAD); In silico analysis supports that this missense variant has a deleterious effect on splicing; In silico analysis indicates that this missense variant does not alter protein structure/function; Has not been previously published as pathogenic or benign to our knowledge